The following is an entry in ClinVar:

NM_001292063.2(OTOG):c.4708C>T (p.Leu1570Phe)

Gene: OTOG (otogelin; plus strand). Cytogenetic location: 11p15.1.
Variant type: single nucleotide variant.
Coding change: c.4708C>T on transcript NM_001292063.2 (MANE Select); coding-DNA position 4708, C replaced by T.
Protein change: p.Leu1570Phe; replaces leucine 1570 with phenylalanine.
Molecular consequence: missense variant.
Genome position (GRCh38, 1-based): chr11:17,610,008, C>T. VCF-style: chr11-17610008-C-T. GRCh37 (hg19) VCF-style: chr11-17631555-C-T.
Other names: c.4744C>T, p.Leu1582Phe (NM_001277269.2); short protein forms L1570F, L1582F.
Identifiers: ClinVar variation 1710827 (VCV001710827.3), dbSNP rs563996744, ClinGen allele CA5905863.

ClinVar aggregate classification (germline): Uncertain significance (1 of 4 stars; one submission).

Allele frequency attached by ClinVar (database versions not stated): TOPMed below 0.00001; gnomAD 0.00005; ExAC 0.00032; 1000 Genomes Project 30x 0.00094; 1000 Genomes Project 0.00120.
gnomAD v4.1: 107 of 1,544,998 alleles (0.0069%); highest among the groups gnomAD compares: South Asian, 0.12%; 2 homozygotes.

Submission:

GeneDx
Classification: Uncertain significance. Last evaluated: 2023-06-26. Review status: criteria provided, single submitter. Criteria: GeneDx Variant Classification Process June 2021. Collection method: clinical testing. Allele origin: germline. Affected: yes.
Comment: In silico analysis supports that this missense variant does not alter protein structure/function; Has not been previously published as pathogenic or benign to our knowledge